The following is an entry in ClinVar:

ClinVar aggregate classification (germline): Uncertain significance (1 of 4 stars; one submission).

Conditions:
Inborn genetic diseases. Identifiers: MedGen C0950123, MeSH D030342.

gnomAD v4.1: 3 of 1,613,386 alleles (0.00019%); highest among the groups gnomAD compares: Non-Finnish European, 0.00025%; no homozygotes.

Submission:

Ambry Genetics
Classification: Uncertain significance for Inborn genetic diseases. Last evaluated: 2026-09-06. Review status: criteria provided, single submitter. Criteria: Ambry Variant Classification Scheme 2023. Collection method: clinical testing. Allele origin: germline.
Comment: The p.P264R variant (also known as c.791C>G), located in coding exon 6 of the DNMT3A gene, results from a C to G substitution at nucleotide position 791. The proline at codon 264 is replaced by arginine, an amino acid with dissimilar properties. This amino acid position is conserved. In addition, this alteration is predicted to be deleterious by in silico analysis. Based on the available evidence, the clinical significance of this variant remains unclear.

NM_022552.5(DNMT3A):c.791C>G (p.Pro264Arg)

Gene: DNMT3A (DNA methyltransferase 3 alpha; minus strand). Cytogenetic location: 2p23.3.
Variant type: single nucleotide variant.
Coding change: c.791C>G on transcript NM_022552.5 (MANE Select); coding-DNA position 791, C replaced by G.
Protein change: p.Pro264Arg; replaces proline 264 with arginine.
Molecular consequence: missense variant. On other transcripts: non-coding transcript variant (1).
Genome position (GRCh38, 1-based): chr2:25,248,101, G>C on the plus strand (C>G on the coding strand, the complement: DNMT3A is on the minus strand). VCF-style: chr2-25248101-G-C. GRCh37 (hg19) VCF-style: chr2-25470970-G-C.
Other names: c.335C>G, p.Pro112Arg (NM_001320893.1); c.122C>G, p.Pro41Arg (NM_001375819.1); c.224C>G, p.Pro75Arg (NM_153759.3); c.791C>G, p.Pro264Arg (NM_175629.2); short protein forms P264R, P112R, P41R, P75R.
Identifiers: ClinVar variation 5035533 (VCV005035533.1).